The following is an entry in ClinVar:

ClinVar aggregate classification (germline): Uncertain significance (1 of 4 stars; one submission).

Submission:

GeneDx
Classification: Uncertain significance. Last evaluated: 2026-04-23. Review status: criteria provided, single submitter. Criteria: GeneDx Variant Classification Process June 2021. Collection method: clinical testing. Allele origin: germline.
Comment: Not observed at significant frequency in large population cohorts (gnomAD); In silico analysis suggests that this missense variant does not alter protein structure/function; Has not been previously published as pathogenic or benign to our knowledge

NM_002547.3(OPHN1):c.2228G>A (p.Arg743Lys)

Gene: OPHN1 (oligophrenin 1; minus strand). Cytogenetic location: Xq12.
Variant type: single nucleotide variant.
Coding change: c.2228G>A on transcript NM_002547.3 (MANE Select); coding-DNA position 2228, G replaced by A.
Protein change: p.Arg743Lys; replaces arginine 743 with lysine.
Molecular consequence: missense variant.
Genome position (GRCh38, 1-based): chrX:68,053,741, C>T on the plus strand (G>A on the coding strand, the complement: OPHN1 is on the minus strand). VCF-style: chrX-68053741-C-T. GRCh37 (hg19) VCF-style: chrX-67273583-C-T.
Other names: c.1904G>A, p.Arg635Lys (NM_001437258.1); short protein forms R635K, R743K.
Identifiers: ClinVar variation 5037621 (VCV005037621.1).